The following is an entry in ClinVar:

ClinVar aggregate classification (germline): Uncertain significance. Review status: criteria provided, multiple submitters, no conflicts (2 of 4 stars). 2 submissions from 2 submitters: Uncertain significance (2). Last evaluated 2025-10-29.

Conditions:
Inborn genetic diseases. Identifiers: MedGen C0950123, MeSH D030342.
Mosaic variegated aneuploidy syndrome 1 (MVA1). Also called: Warburton-Anyane-Yeboa syndrome. Identifiers: Orphanet 1052, MedGen C1850343, MONDO:0009759, OMIM 257300.

Allele frequency attached by ClinVar (database versions not stated): gnomAD exomes below 0.00001 and 0.00001; ExAC 0.00001; gnomAD 0.00001; TOPMed 0.00001.
gnomAD v4.1: 8 of 1,613,792 alleles (0.0005%); highest among the groups gnomAD compares: Admixed American, 0.0033%; no homozygotes.

Submissions (2):

Ambry Genetics
Classification: Uncertain significance for Inborn genetic diseases. Last evaluated: 2025-10-29. Review status: criteria provided, single submitter. Criteria: Ambry Variant Classification Scheme 2023. Collection method: clinical testing. Allele origin: germline.
Comment: The p.S484C variant (also known as c.1451C>G), located in coding exon 11 of the BUB1B gene, results from a C to G substitution at nucleotide position 1451. The serine at codon 484 is replaced by cysteine, an amino acid with dissimilar properties. This amino acid position is conserved. In addition, this alteration is predicted to be tolerated by in silico analysis. Since supporting evidence is limited at this time, the clinical significance of this alteration remains unclear.

Labcorp Genetics (formerly Invitae), Labcorp
Classification: Uncertain significance for Mosaic variegated aneuploidy syndrome 1. Last evaluated: 2020-02-29. Review status: criteria provided, single submitter. Criteria: Invitae Variant Classification Sherloc (09022015). Collection method: clinical testing. Allele origin: germline.
Comment: This sequence change replaces serine with cysteine at codon 484 of the BUB1B protein (p.Ser484Cys). The serine residue is weakly conserved and there is a moderate physicochemical difference between serine and cysteine. This variant is present in population databases (rs777814938, ExAC 0.009%). In summary, the available evidence is currently insufficient to determine the role of this variant in disease. Therefore, it has been classified as a Variant of Uncertain Significance. Algorithms developed to predict the effect of missense changes on protein structure and function do not agree on the potential impact of this missense change (SIFT: "Deleterious"; PolyPhen-2: "Possibly Damaging"; Align-GVGD: "Class C0"). This variant has not been reported in the literature in individuals with BUB1B-related disease.

NM_001211.6(BUB1B):c.1451C>G (p.Ser484Cys)

Gene: BUB1B (BUB1 mitotic checkpoint serine/threonine kinase B; plus strand). Cytogenetic location: 15q15.1.
Variant type: single nucleotide variant.
Coding change: c.1451C>G on transcript NM_001211.6 (MANE Select); coding-DNA position 1451, C replaced by G.
Protein change: p.Ser484Cys; replaces serine 484 with cysteine.
Molecular consequence: missense variant.
Genome position (GRCh38, 1-based): chr15:40,200,293, C>G. VCF-style: chr15-40200293-C-G. GRCh37 (hg19) VCF-style: chr15-40492494-C-G.
Other names: short protein forms S484C.
Identifiers: ClinVar variation 533910 (VCV000533910.13), dbSNP rs777814938, ClinGen allele CA7475752.